The following is an entry in ClinVar:

NM_032043.3(BRIP1):c.1293G>A (p.Arg431=)

Gene: BRIP1 (BRCA1 interacting DNA helicase 1; minus strand). Cytogenetic location: 17q23.2.
Variant type: single nucleotide variant.
Coding change: c.1293G>A on transcript NM_032043.3 (MANE Select); coding-DNA position 1293, G replaced by A.
Protein change: p.Arg431=; no amino-acid change (arginine 431 retained).
Molecular consequence: synonymous variant.
Genome position (GRCh38, 1-based): chr17:61,799,147, C>T on the plus strand (G>A on the coding strand, the complement: BRIP1 is on the minus strand). VCF-style: chr17-61799147-C-T. GRCh37 (hg19) VCF-style: chr17-59876508-C-T.
Identifiers: ClinVar variation 929537 (VCV000929537.4), dbSNP rs2077947527, ClinGen allele CA501151486.

ClinVar aggregate classification (germline): Benign/Likely benign. Review status: criteria provided, multiple submitters, no conflicts (2 of 4 stars). 3 submissions from 3 submitters: Benign (1); Likely benign (1). 1 of the submissions does not count toward it. Last evaluated 2025-03-30.

Conditions:
Fanconi anemia complementation group J. Also called: BRIP1-Related Fanconi Anemia. Identifiers: Orphanet 84, MedGen C1836860, MONDO:0012187, OMIM 609054.
Familial cancer of breast. Also called: BREAST CANCER, FAMILIAL; hereditary breast carcinoma; Hereditary breast cancer. Identifiers: Orphanet 227535, MedGen C0346153, MONDO:0016419, OMIM 114480. Disease mechanism: loss of function.

Allele frequency attached by ClinVar (database versions not stated): gnomAD exomes below 0.00001.
gnomAD v4.1: 2 of 1,613,592 alleles (0.00012%); highest among the groups gnomAD compares: East Asian, 0.0045%; no homozygotes.

Submissions (3):

Labcorp Genetics (formerly Invitae), Labcorp
Classification: Likely benign for Familial cancer of breast; Fanconi anemia complementation group J. Last evaluated: 2025-03-30. Review status: criteria provided, single submitter. Criteria: Invitae Variant Classification Sherloc (09022015). Collection method: clinical testing. Allele origin: germline.

Myriad Genetics, Inc.
Classification: Benign for Familial cancer of breast. Last evaluated: 2024-08-27. Review status: criteria provided, single submitter. Criteria: Myriad Autosomal Dominant, Autosomal Recessive and X-Linked Classification Criteria (2023). Collection method: clinical testing. Allele origin: unknown.
Comment: This variant is considered benign. This variant is a silent/synonymous amino acid change and it is not expected to impact splicing.

Leiden Open Variation Database
Classification: Uncertain significance. Last evaluated: 2019-08-13. Review status: no assertion criteria provided. Collection method: curation. Allele origin: germline. Affected: yes. Not counted in ClinVar's aggregate classification.
Comment: Curator: Arleen D. Auerbach. Submitter to LOVD: Yukihide Momozawa.

Literature cited by the submitters: PubMed 31214711 (cited by Leiden Open Variation Database).